The following is an entry in ClinVar:

NM_000492.4(CFTR):c.2230C>A (p.Gln744Lys)

Gene: CFTR (CF transmembrane conductance regulator; plus strand). Cytogenetic location: 7q31.2.
Variant type: single nucleotide variant.
Coding change: c.2230C>A on transcript NM_000492.4 (MANE Select); coding-DNA position 2230, C replaced by A.
Protein change: p.Gln744Lys; replaces glutamine 744 with lysine.
Molecular consequence: missense variant.
Genome position (GRCh38, 1-based): chr7:117,592,397, C>A. VCF-style: chr7-117592397-C-A. GRCh37 (hg19) VCF-style: chr7-117232451-C-A.
Other names: short protein forms Q744K.
Identifiers: ClinVar variation 5034448 (VCV005034448.1).

ClinVar aggregate classification (germline): Uncertain significance (1 of 4 stars; one submission).

Conditions:
Cystic fibrosis (CF). Also called: MUCOVISCIDOSIS. Identifiers: Orphanet 586, MedGen C0010674, MONDO:0009061, OMIM 219700. Disease mechanism: loss of function.

Submission:

Ambry Genetics
Classification: Uncertain significance for Cystic fibrosis. Last evaluated: 2026-07-25. Review status: criteria provided, single submitter. Criteria: Ambry Variant Classification Scheme 2023. Collection method: clinical testing. Allele origin: germline.
Comment: The p.Q744K variant (also known as c.2230C>A), located in coding exon 14 of the CFTR gene, results from a C to A substitution at nucleotide position 2230. The glutamine at codon 744 is replaced by lysine, an amino acid with similar properties. This amino acid position is conserved. In addition, the in silico prediction for this alteration is inconclusive. Based on the available evidence, the clinical significance of this variant remains unclear.